The following is an entry in ClinVar:

ClinVar aggregate classification (germline): Uncertain significance (1 of 4 stars; one submission).

Conditions:
Hereditary cancer-predisposing syndrome. Also called: Neoplastic Syndromes, Hereditary; Tumor predisposition; Hereditary Cancer Syndrome; Hereditary neoplastic syndrome. Identifiers: Orphanet 140162, MedGen C0027672, MeSH D009386, MONDO:0015356.
Cardiovascular phenotype. Identifiers: MedGen CN230736.

gnomAD v4.1: 1 of 1,614,066 alleles (0.000062%); highest among the groups gnomAD compares: Non-Finnish European, 0.000085%; no homozygotes.

Submission:

Ambry Genetics
Classification: Uncertain significance for Cardiovascular phenotype; Hereditary cancer-predisposing syndrome. Last evaluated: 2021-09-03. Review status: criteria provided, single submitter. Criteria: Ambry Variant Classification Scheme 2023. Collection method: clinical testing. Allele origin: germline.
Comment: The p.L1243V variant (also known as c.3727C>G), located in coding exon 28 of the NF1 gene, results from a C to G substitution at nucleotide position 3727. The leucine at codon 1243 is replaced by valine, an amino acid with highly similar properties. This amino acid position is highly conserved in available vertebrate species. In addition, this alteration is predicted to be deleterious by in silico analysis. Since supporting evidence is limited at this time, the clinical significance of this alteration remains unclear.

NM_001042492.3(NF1):c.3727C>G (p.Leu1243Val)

Gene: NF1 (neurofibromin 1; plus strand). Cytogenetic location: 17q11.2.
Variant type: single nucleotide variant.
Coding change: c.3727C>G on transcript NM_001042492.3 (MANE Select); coding-DNA position 3727, C replaced by G.
Protein change: p.Leu1243Val; replaces leucine 1243 with valine.
Molecular consequence: missense variant.
Genome position (GRCh38, 1-based): chr17:31,235,629, C>G. VCF-style: chr17-31235629-C-G. GRCh37 (hg19) VCF-style: chr17-29562647-C-G.
Other names: c.3727C>G, p.Leu1243Val (NM_000267.4); short protein forms L1243V.
Identifiers: ClinVar variation 1734342 (VCV001734342.2), dbSNP rs750993436, ClinGen allele CA398992346.